The following is an entry in ClinVar:

NM_001134673.4(NFIA):c.149_153del (p.Lys50fs)

Gene: NFIA (nuclear factor I A; plus strand). Cytogenetic location: 1p31.3.
Variant type: Deletion.
Coding change: c.149_153del on transcript NM_001134673.4 (MANE Select); coding-DNA positions 149 to 153, 5 bases deleted (AAGAA; older notation c.149_153delAAGAA).
Protein change: p.Lys50fs; shifts the reading frame from lysine 50.
Molecular consequence: frameshift variant.
Genome position (GRCh38, 1-based): chr1:61,088,270-61,088,274, AAGAA deleted; deleting any 5 consecutive bases within chr1:61,088,268-61,088,274 gives the same sequence; the c. name uses the placement nearest the transcript's 3' end. VCF-style (leftmost placement, unchanged base first): chr1-61088267-CAAAAG-C. GRCh37 (hg19) VCF-style: chr1-61553939-CAAAAG-C.
Other names: c.125_129del, p.Lys42fs (NM_001145511.2); c.284_288del, p.Lys95fs (NM_001145512.2); c.149_153del, p.Lys50fs (NM_005595.5); short protein forms K42fs, K50fs, K95fs.
Identifiers: ClinVar variation 1687429 (VCV001687429.1), dbSNP rs2100414172, ClinGen allele CA2573132491.

ClinVar aggregate classification (germline): Likely pathogenic (1 of 4 stars; one submission).

Conditions:
Chromosome 1p32-p31 deletion syndrome. Identifiers: Orphanet 401986, MedGen C4707828, MONDO:0013396.

Submission:

3billion
Classification: Likely pathogenic for Brain malformations with or without urinary tract defects. Last evaluated: 2022-05-22. Review status: criteria provided, single submitter. Criteria: ACMG Guidelines, 2015. Collection method: clinical testing. Allele origin: germline. Affected: yes. Observed: 1 heterozygote.
Comment: The variant is not observed in the gnomAD v2.1.1 dataset. Frameshift: predicted to result in a loss or disruption of normal protein function through nonsense-mediated decay (NMD) or protein truncation. Multiple pathogenic variants are reported downstream of the variant. Therefore, this variant is classified as likely pathogenic according to the recommendation of ACMG/AMP guideline.